The following is an entry in ClinVar:

NM_018685.5(ANLN):c.2427C>A (p.Ile809=)

Gene: ANLN (anillin, actin binding protein; plus strand). Cytogenetic location: 7p14.2.
Variant type: single nucleotide variant.
Coding change: c.2427C>A on transcript NM_018685.5 (MANE Select); coding-DNA position 2427, C replaced by A.
Protein change: p.Ile809=; no amino-acid change (isoleucine 809 retained).
Molecular consequence: synonymous variant.
Genome position (GRCh38, 1-based): chr7:36,422,760, C>A. VCF-style: chr7-36422760-C-A. GRCh37 (hg19) VCF-style: chr7-36462369-C-A.
Other names: p.Ile809=; c.2316C>A, p.Ile772= (NM_001284301.3); c.2313C>A, p.Ile771= (NM_001284302.3).
Identifiers: ClinVar variation 1164578 (VCV001164578.11), dbSNP rs535543701, ClinGen allele CA4219857.

ClinVar aggregate classification (germline): Benign/Likely benign. Review status: criteria provided, multiple submitters, no conflicts (2 of 4 stars). 3 submissions from 3 submitters: Benign (1); Likely benign (2). Last evaluated 2025-07-23.

Allele frequency attached by ClinVar (database versions not stated): 1000 Genomes Project 30x 0.00187; 1000 Genomes Project 0.00200.
gnomAD v4.1: 418 of 1,613,334 alleles (0.026%); highest among the groups gnomAD compares: South Asian, 0.44%; 9 homozygotes.

Submissions (3):

Mayo Clinic Laboratories, Mayo Clinic
Classification: Likely benign. Last evaluated: 2025-07-23. Review status: criteria provided, single submitter. Criteria: ACMG Guidelines, 2015. Collection method: clinical testing. Allele origin: germline. Observed: 1 variant allele.
Comment: BS1, BP4, BP7

Labcorp Genetics (formerly Invitae), Labcorp
Classification: Benign. Last evaluated: 2025-04-12. Review status: criteria provided, single submitter. Criteria: Invitae Variant Classification Sherloc (09022015). Collection method: clinical testing. Allele origin: germline.

Blueprint Genetics
Classification: Likely benign. Last evaluated: 2024-10-18. Review status: criteria provided, single submitter. Criteria: ACMG Guidelines, 2015. Collection method: clinical testing. Allele origin: germline.